The following is an entry in ClinVar:

NM_182972.3(IRF2BP2):c.988G>T (p.Ala330Ser)

Genes: IRF2BP2 (interferon regulatory factor 2 binding protein 2; minus strand), LOC129932810 (ATAC-STARR-seq lymphoblastoid active region 2760; plus strand). Cytogenetic location: 1q42.3.
Variant type: single nucleotide variant.
Coding change: c.988G>T on transcript NM_182972.3 (MANE Select); coding-DNA position 988, G replaced by T.
Protein change: p.Ala330Ser; replaces alanine 330 with serine.
Molecular consequence: missense variant.
Genome position (GRCh38, 1-based): chr1:234,608,507, C>A on the plus strand (G>T on the coding strand, the complement: IRF2BP2 is on the minus strand). VCF-style: chr1-234608507-C-A. GRCh37 (hg19) VCF-style: chr1-234744253-C-A.
Other names: c.988G>T, p.Ala330Ser (NM_001077397.1); short protein forms A330S.
Identifiers: ClinVar variation 4723671 (VCV004723671.1).

ClinVar aggregate classification (germline): Uncertain significance (1 of 4 stars; one submission).

Submission:

Labcorp Genetics (formerly Invitae), Labcorp
Classification: Uncertain significance. Last evaluated: 2025-07-21. Review status: criteria provided, single submitter. Criteria: Invitae Variant Classification Sherloc (09022015). Collection method: clinical testing. Allele origin: germline.
Comment: This sequence change replaces alanine, which is neutral and non-polar, with serine, which is neutral and polar, at codon 330 of the IRF2BP2 protein (p.Ala330Ser). The frequency data for this variant in the population databases is considered unreliable, as metrics indicate poor data quality at this position in the gnomAD database. This variant has not been reported in the literature in individuals affected with IRF2BP2-related conditions. An algorithm developed to predict the effect of missense changes on protein structure and function (PolyPhen-2) suggests that this variant is likely to be disruptive. In summary, the available evidence is currently insufficient to determine the role of this variant in disease. Therefore, it has been classified as a Variant of Uncertain Significance.